The following is an entry in ClinVar:

ClinVar aggregate classification (germline): Uncertain significance. Review status: criteria provided, multiple submitters, no conflicts (2 of 4 stars). 2 submissions from 2 submitters: Uncertain significance (2). Last evaluated 2023-11-24.

Conditions:
Developmental and epileptic encephalopathy, 42 (DEE42A). Also called: Epileptic encephalopathy, early infantile, 42; DEVELOPMENTAL AND EPILEPTIC ENCEPHALOPATHY 42A; EPILEPTIC ENCEPHALOPATHY, EARLY INFANTILE, 42A. Identifiers: MedGen C4310716, MONDO:0014917, OMIM 617106.
Episodic ataxia type 2 (EA2). Also called: ACETAZOLAMIDE-RESPONSIVE HEREDITARY PAROXYSMAL CEREBELLAR ATAXIA; ATAXIA, EPISODIC, WITH NYSTAGMUS; ATAXIA, FAMILIAL PAROXYSMAL; CEREBELLAR ATAXIA, PAROXYSMAL, ACETAZOLAMIDE-RESPONSIVE; CEREBELLOPATHY, HEREDITARY PAROXYSMAL; EPISODIC ATAXIA, NYSTAGMUS-ASSOCIATED. Identifiers: Orphanet 97, MedGen C1720416, MONDO:0007163, OMIM 108500.

Allele frequency attached by ClinVar (database versions not stated): gnomAD exomes below 0.00001; TOPMed below 0.00001.
gnomAD v4.1: 4 of 1,586,354 alleles (0.00025%); highest among the groups gnomAD compares: East Asian, 0.0023%; no homozygotes.

Submissions (2):

Labcorp Genetics (formerly Invitae), Labcorp
Classification: Uncertain significance for Developmental and epileptic encephalopathy, 42; Episodic ataxia type 2. Last evaluated: 2023-11-24. Review status: criteria provided, single submitter. Criteria: Invitae Variant Classification Sherloc (09022015). Collection method: clinical testing. Allele origin: germline.
Comment: This sequence change replaces glutamic acid, which is acidic and polar, with lysine, which is basic and polar, at codon 891 of the CACNA1A protein (p.Glu891Lys). This variant is not present in population databases (gnomAD no frequency). This variant has not been reported in the literature in individuals affected with CACNA1A-related conditions. ClinVar contains an entry for this variant (Variation ID: 1941179). Advanced modeling of protein sequence and biophysical properties (such as structural, functional, and spatial information, amino acid conservation, physicochemical variation, residue mobility, and thermodynamic stability) performed at Invitae indicates that this missense variant is not expected to disrupt CACNA1A protein function with a negative predictive value of 95%. In summary, the available evidence is currently insufficient to determine the role of this variant in disease. Therefore, it has been classified as a Variant of Uncertain Significance.

Blueprint Genetics
Classification: Uncertain significance. Last evaluated: 2020-01-22. Review status: criteria provided, single submitter. Criteria: ACMG Guidelines, 2015. Collection method: clinical testing. Allele origin: germline.

NM_001127222.2(CACNA1A):c.2668G>A (p.Glu890Lys)

Gene: CACNA1A (calcium voltage-gated channel subunit alpha1 A; minus strand). Cytogenetic location: 19p13.13.
Variant type: single nucleotide variant.
Coding change: c.2668G>A on transcript NM_001127222.2 (MANE Select); coding-DNA position 2668, G replaced by A.
Protein change: p.Glu890Lys; replaces glutamic acid 890 with lysine.
Molecular consequence: missense variant.
Genome position (GRCh38, 1-based): chr19:13,298,965, C>T on the plus strand (G>A on the coding strand, the complement: CACNA1A is on the minus strand). VCF-style: chr19-13298965-C-T. GRCh37 (hg19) VCF-style: chr19-13409779-C-T.
Other names: c.2680G>A, p.Glu894Lys (NM_000068.4, NM_023035.3); c.2671G>A, p.Glu891Lys (NM_001127221.2, NM_001174080.2); short protein forms E891K, E890K, E894K.
Identifiers: ClinVar variation 1941179 (VCV001941179.6), dbSNP rs2057731812, ClinGen allele CA404342962.